The following is an entry in ClinVar:

ClinVar aggregate classification (germline): Conflicting classifications of pathogenicity. Review status: criteria provided, conflicting classifications (1 of 4 stars). 3 submissions from 3 submitters: Uncertain significance (2); Likely benign (1). Last evaluated 2026-05-05.

Conditions:
MARS1-related disorder. Also called: MARS1-related condition.
Severe early-onset pulmonary alveolar proteinosis due to MARS deficiency. Also called: PULMONARY ALVEOLAR PROTEINOSIS, REUNION ISLAND; Interstitial lung and liver disease. Identifiers: Orphanet 440427, MedGen C4225400, MONDO:0014206, OMIM 615486.
Charcot-Marie-Tooth disease axonal type 2U. Also called: CHARCOT-MARIE-TOOTH NEUROPATHY, TYPE 2U; CHARCOT-MARIE-TOOTH DISEASE, AXONAL, AUTOSOMAL DOMINANT, TYPE 2U. Identifiers: Orphanet 397735, MedGen C4084821, MONDO:0014566, OMIM 616280.

Allele frequency attached by ClinVar (database versions not stated): ExAC 0.00003; gnomAD exomes 0.00005 and 0.00023; gnomAD 0.00008 and 0.00009; TOPMed 0.00012.
gnomAD v4.1: 342 of 1,614,068 alleles (0.021%); highest among the groups gnomAD compares: Non-Finnish European, 0.027%; no homozygotes.

Submissions (3):

PreventionGenetics, part of Exact Sciences
Classification: Uncertain significance for MARS1-related condition. Last evaluated: 2026-05-05. Review status: criteria provided, single submitter. Criteria: ACMG Guidelines, 2015. Collection method: clinical testing. Allele origin: germline.
Comment: The MARS1 c.1033C>T variant is predicted to result in the amino acid substitution p.Arg345Cys. This variant has been observed in an individual from a cohort of patients with Charcot-Marie-Tooth disease (CMT2), and reported as a variant of uncertain clinical significance (VUS) (Nam et al. 2022. PubMed ID: 34813128). This variant is reported in 0.020% of alleles in individuals of East Asian descent in gnomAD. At this time, the clinical significance of this variant is uncertain due to the absence of conclusive functional and genetic evidence.

Labcorp Genetics (formerly Invitae), Labcorp
Classification: Uncertain significance for Charcot-Marie-Tooth disease axonal type 2U; Severe early-onset pulmonary alveolar proteinosis due to MARS deficiency. Last evaluated: 2025-10-25. Review status: criteria provided, single submitter. Criteria: Invitae Variant Classification Sherloc (09022015). Collection method: clinical testing. Allele origin: germline.
Comment: This sequence change replaces arginine, which is basic and polar, with cysteine, which is neutral and slightly polar, at codon 345 of the MARS protein (p.Arg345Cys). This variant is present in population databases (rs772759631, gnomAD 0.02%). This missense change has been observed in individual(s) with Charcot-Marie-Tooth disease (PMID: 34813128). ClinVar contains an entry for this variant (Variation ID: 967329). An algorithm developed to predict the effect of missense changes on protein structure and function (PolyPhen-2) suggests that this variant is likely to be disruptive. In summary, the available evidence is currently insufficient to determine the role of this variant in disease. Therefore, it has been classified as a Variant of Uncertain Significance.

Ambry Genetics
Classification: Likely benign. Last evaluated: 2020-03-09. Review status: criteria provided, single submitter. Criteria: Ambry Variant Classification Scheme 2023. Collection method: clinical testing. Allele origin: germline.

Literature cited by the submitters: PubMed 34813128 (cited by Labcorp Genetics (formerly Invitae), Labcorp).

NM_004990.4(MARS1):c.1033C>T (p.Arg345Cys)

Gene: MARS1 (methionyl-tRNA synthetase 1; plus strand). Cytogenetic location: 12q13.3.
Variant type: single nucleotide variant.
Coding change: c.1033C>T on transcript NM_004990.4 (MANE Select); coding-DNA position 1033, C replaced by T.
Protein change: p.Arg345Cys; replaces arginine 345 with cysteine.
Molecular consequence: missense variant.
Genome position (GRCh38, 1-based): chr12:57,498,565, C>T. VCF-style: chr12-57498565-C-T. GRCh37 (hg19) VCF-style: chr12-57892348-C-T.
Other names: short protein forms R345C.
Identifiers: ClinVar variation 967329 (VCV000967329.9), dbSNP rs772759631, ClinGen allele CA6650388.